The following is an entry in ClinVar:

ClinVar aggregate classification (germline): Uncertain significance. Review status: criteria provided, multiple submitters, no conflicts (2 of 4 stars). 3 submissions from 3 submitters: Uncertain significance (3). Last evaluated 2025-08-01.

Conditions:
Hereditary cancer-predisposing syndrome. Also called: Tumor predisposition; Neoplastic Syndromes, Hereditary; Hereditary Cancer Syndrome; Hereditary neoplastic syndrome. Identifiers: Orphanet 140162, MedGen C0027672, MeSH D009386, MONDO:0015356.
Fanconi anemia complementation group O. Also called: RAD51C-Related Fanconi Anemia. Identifiers: Orphanet 84, MedGen C3150653, MONDO:0013248, OMIM 613390.

Allele frequency attached by ClinVar (database versions not stated): gnomAD exomes 0.00001.
gnomAD v4.1: 3 of 1,613,222 alleles (0.00019%); highest among the groups gnomAD compares: East Asian, 0.0067%; no homozygotes.

Submissions (3):

Labcorp Genetics (formerly Invitae), Labcorp
Classification: Uncertain significance for Fanconi anemia complementation group O. Last evaluated: 2025-08-01. Review status: criteria provided, single submitter. Criteria: Invitae Variant Classification Sherloc (09022015). Collection method: clinical testing. Allele origin: germline.
Comment: This sequence change replaces phenylalanine, which is neutral and non-polar, with serine, which is neutral and polar, at codon 346 of the RAD51C protein (p.Phe346Ser). This variant is not present in population databases (gnomAD no frequency). This variant has not been reported in the literature in individuals affected with RAD51C-related conditions. ClinVar contains an entry for this variant (Variation ID: 490118). Invitae Evidence Modeling of protein sequence and biophysical properties (such as structural, functional, and spatial information, amino acid conservation, physicochemical variation, residue mobility, and thermodynamic stability) indicates that this missense variant is expected to disrupt RAD51C protein function with a positive predictive value of 95%. In summary, the available evidence is currently insufficient to determine the role of this variant in disease. Therefore, it has been classified as a Variant of Uncertain Significance.

Ambry Genetics
Classification: Uncertain significance for Hereditary cancer-predisposing syndrome. Last evaluated: 2024-08-09. Review status: criteria provided, single submitter. Criteria: Ambry Variant Classification Scheme 2023. Collection method: clinical testing. Allele origin: germline.
Comment: The p.F346S variant (also known as c.1037T>C), located in coding exon 9 of the RAD51C gene, results from a T to C substitution at nucleotide position 1037. The phenylalanine at codon 346 is replaced by serine, an amino acid with highly dissimilar properties. This amino acid position is highly conserved in available vertebrate species. In addition, the in silico prediction for this alteration is inconclusive. Since supporting evidence is limited at this time, the clinical significance of this alteration remains unclear.

Color Diagnostics, LLC DBA Color Health
Classification: Uncertain significance for Hereditary cancer-predisposing syndrome. Last evaluated: 2023-12-05. Review status: criteria provided, single submitter. Criteria: ACMG Guidelines, 2015. Collection method: clinical testing. Allele origin: germline.
Comment: This missense variant replaces phenylalanine with serine at codon 346 of the RAD51C protein. Computational prediction suggests that this variant may not impact protein structure and function (internally defined REVEL score threshold <= 0.5, PMID: 27666373). To our knowledge, functional studies have not been reported for this variant. This variant has not been reported in individuals affected with RAD51C-related disorders in the literature. This variant has not been identified in the general population by the Genome Aggregation Database (gnomAD). The available evidence is insufficient to determine the role of this variant in disease conclusively. Therefore, this variant is classified as a Variant of Uncertain Significance.

NM_058216.3(RAD51C):c.1037T>C (p.Phe346Ser)

Gene: RAD51C (RAD51 paralog C; plus strand). Cytogenetic location: 17q22.
Variant type: single nucleotide variant.
Coding change: c.1037T>C on transcript NM_058216.3 (MANE Select); coding-DNA position 1037, T replaced by C.
Protein change: p.Phe346Ser; replaces phenylalanine 346 with serine.
Molecular consequence: missense variant. On other transcripts: non-coding transcript variant (1).
Genome position (GRCh38, 1-based): chr17:58,734,128, T>C. VCF-style: chr17-58734128-T-C. GRCh37 (hg19) VCF-style: chr17-56811489-T-C.
Other names: short protein forms F346S.
Identifiers: ClinVar variation 490118 (VCV000490118.19), dbSNP rs1555605530, ClinGen allele CA400365916.